The following is an entry in ClinVar:

ClinVar aggregate classification (germline): Conflicting classifications of pathogenicity. Review status: criteria provided, conflicting classifications (1 of 4 stars). 10 submissions from 8 submitters: Uncertain significance (5); Likely benign (5). Last evaluated 2025-10-01.

Conditions:
RYR1-related disorder. Also called: RYR1-related disorders; RYR1-related condition. Identifiers: MedGen CN239331.
Central core myopathy (CMYO1A). Also called: CONGENITAL MYOPATHY 1A, AUTOSOMAL DOMINANT, WITH SUSCEPTIBILITY TO MALIGNANT HYPERTHERMIA; Central core disease; Myopathy, central fibrillar. Identifiers: Orphanet 597, MedGen C5830701, MONDO:0007294, OMIM 117000.
Congenital multicore myopathy with external ophthalmoplegia (CMYO1B). Also called: MULTIMINICORE DISEASE WITH EXTERNAL OPHTHALMOPLEGIA; MULTICORE MYOPATHY; Minicore myopathy with external ophthalmoplegia; Congenital myopathy 1B, autosomal recessive; Minicore myopathy. Identifiers: Orphanet 598, Orphanet 98905, MedGen C1850674, MONDO:0009712, OMIM 255320, HP:0003789.
Malignant hyperthermia, susceptibility to, 1 (MHS1). Also called: Anesthesia related hyperthermia; Malignant hyperpyrexia; Fulminating hyperpyrexia; Pharmacogenic myopathy; RYR1-Related Malignant Hyperthermia Susceptibility; Malignant hyperthermia suceptibility 1. Identifiers: Orphanet 423, MedGen C2930980, MONDO:0007783, OMIM 145600.

Allele frequency attached by ClinVar (database versions not stated): ExAC 0.00021; gnomAD exomes 0.00021 and 0.00022; gnomAD 0.00023 and 0.00024; TOPMed 0.00023; ESP Exome Variant Server 0.00038.
gnomAD v4.1: 357 of 1,614,030 alleles (0.022%); highest among the groups gnomAD compares: Non-Finnish European, 0.027%; no homozygotes.

Submissions (10):

CeGaT Center for Human Genetics Tuebingen
Classification: Likely benign. Last evaluated: 2025-10-01. Review status: criteria provided, single submitter. Criteria: CeGaT Center For Human Genetics Tuebingen Variant Classification Criteria Version 2. Collection method: clinical testing. Allele origin: germline. Affected: yes. Observed: 5 variant alleles.
Comment: RYR1: BP4, BP7

Mayo Clinic Laboratories, Mayo Clinic
Classification: Likely benign. Last evaluated: 2025-03-26. Review status: criteria provided, single submitter. Criteria: ACMG Guidelines, 2015. Collection method: clinical testing. Allele origin: germline. Observed: 1 variant allele.
Comment: BP4, BP7

Labcorp Genetics (formerly Invitae), Labcorp
Classification: Uncertain significance for RYR1-related disorder. Last evaluated: 2025-01-05. Review status: criteria provided, single submitter. Criteria: Invitae Variant Classification Sherloc (09022015). Collection method: clinical testing. Allele origin: germline.
Comment: This sequence change affects codon 2342 of the RYR1 mRNA. It is a 'silent' change, meaning that it does not change the encoded amino acid sequence of the RYR1 protein. It affects a nucleotide within the consensus splice site. This variant is present in population databases (rs202061237, gnomAD 0.04%). This variant has not been reported in the literature in individuals affected with RYR1-related conditions. ClinVar contains an entry for this variant (Variation ID: 256546). Algorithms developed to predict the effect of sequence changes on RNA splicing suggest that this variant is not likely to affect RNA splicing. In summary, the available evidence is currently insufficient to determine the role of this variant in disease. Therefore, it has been classified as a Variant of Uncertain Significance.

Blueprint Genetics
Classification: Likely benign. Last evaluated: 2024-11-21. Review status: criteria provided, single submitter. Criteria: ACMG Guidelines, 2015. Collection method: clinical testing. Allele origin: germline.

Revvity Omics, Revvity
Classification: Uncertain significance. Last evaluated: 2023-02-26. Review status: criteria provided, single submitter. Criteria: ACMG Guidelines, 2015. Collection method: clinical testing. Allele origin: germline.

Color Diagnostics, LLC DBA Color Health
Classification: Likely benign for Malignant hyperthermia, susceptibility to, 1. Last evaluated: 2022-10-20. Review status: criteria provided, single submitter. Criteria: ACMG Guidelines, 2015. Collection method: clinical testing. Allele origin: germline.

Illumina Laboratory Services, Illumina
Classification: Uncertain significance for Congenital multicore myopathy with external ophthalmoplegia. Last evaluated: 2019-07-24. Review status: criteria provided, single submitter. Criteria: ICSL Variant Classification Criteria 13 December 2019. Collection method: clinical testing. Allele origin: germline.

Illumina Laboratory Services, Illumina
Classification: Uncertain significance for Central core myopathy. Last evaluated: 2019-07-24. Review status: criteria provided, single submitter. Criteria: ICSL Variant Classification Criteria 13 December 2019. Collection method: clinical testing. Allele origin: germline.

Illumina Laboratory Services, Illumina
Classification: Uncertain significance for Malignant hyperthermia, susceptibility to, 1. Last evaluated: 2019-07-24. Review status: criteria provided, single submitter. Criteria: ICSL Variant Classification Criteria 13 December 2019. Collection method: clinical testing. Allele origin: germline.

PreventionGenetics, part of Exact Sciences
Classification: Likely benign. Review status: criteria provided, single submitter. Criteria: ACMG Guidelines, 2015. Collection method: clinical testing. Allele origin: germline.

NM_000540.3(RYR1):c.7026C>T (p.Asn2342=)

Gene: RYR1 (ryanodine receptor 1; plus strand). Cytogenetic location: 19q13.2.
Variant type: single nucleotide variant.
Coding change: c.7026C>T on transcript NM_000540.3 (MANE Select); coding-DNA position 7026, C replaced by T.
Protein change: p.Asn2342=; no amino-acid change (asparagine 2342 retained).
Molecular consequence: synonymous variant.
Genome position (GRCh38, 1-based): chr19:38,499,242, C>T. VCF-style: chr19-38499242-C-T. GRCh37 (hg19) VCF-style: chr19-38989882-C-T.
Other names: p.Asn2342=; c.7026C>T, p.Asn2342= (NM_001042723.2).
Identifiers: ClinVar variation 256546 (VCV000256546.49), dbSNP rs202061237, ClinGen allele CA068977.
Genomic context (GRCh38, chr19:38,499,242, plus strand): 5'-CTGGAACCCCTGTGGTGGAGAGCGCTACCTGGACTTCCTGCGCTTTGCTGTCTTCGTCAA[C>T]GGTGAGGAGGGGGTGGCAGTGGCAGAGCGGGAAGTATGGAGTCACTGGTCACACACCTCC-3'
Protein context (NP_000531.2, residues 2332-2352): LDFLRFAVFV[Asn2342=]GESVEENANV